The following is an entry in ClinVar:

ClinVar aggregate classification (germline): Conflicting classifications of pathogenicity. Review status: criteria provided, conflicting classifications (1 of 4 stars). 11 submissions from 11 submitters: Uncertain significance (6); Benign (1); Likely benign (4). Last evaluated 2026-05-20.

Conditions:
MSH6-related disorder. Also called: MSH6-related condition; MSH6-Related disorders.
Hereditary nonpolyposis colorectal neoplasms. Identifiers: MedGen C0009405, MeSH D003123.
Hereditary cancer-predisposing syndrome. Also called: Neoplastic Syndromes, Hereditary; Tumor predisposition; Hereditary neoplastic syndrome; Hereditary Cancer Syndrome. Identifiers: Orphanet 140162, MedGen C0027672, MeSH D009386, MONDO:0015356.
Lynch syndrome. Identifiers: Orphanet 144, MedGen C4552100, MONDO:0005835. Disease mechanism: loss of function.
Lynch syndrome 5 (LYNCH5). Also called: Colorectal cancer, hereditary nonpolyposis, type 5; Hereditary non-polyposis colorectal cancer, type 5. Identifiers: Orphanet 144, MedGen C1833477, MONDO:0013710, OMIM 614350. Disease mechanism: loss of function.

Allele frequency attached by ClinVar (database versions not stated): gnomAD 0.00001; gnomAD exomes 0.00001 and 0.00003; TOPMed 0.00001; ExAC 0.00004; ESP Exome Variant Server 0.00008; 1000 Genomes Project 30x 0.00016; 1000 Genomes Project 0.00020.
gnomAD v4.1: 18 of 1,614,152 alleles (0.0011%); highest among the groups gnomAD compares: African/African-American, 0.004%; no homozygotes.

Submissions (11):

PreventionGenetics, part of Exact Sciences
Classification: Likely benign for MSH6-related condition. Last evaluated: 2026-05-20. Review status: criteria provided, single submitter. Criteria: ACMG Guidelines, 2015. Collection method: clinical testing. Allele origin: germline.
Comment: This variant is classified as likely benign based on ACMG/AMP sequence variant interpretation guidelines (Richards et al. 2015 PMID: 25741868, with internal and published modifications).

Labcorp Genetics (formerly Invitae), Labcorp
Classification: Likely benign for Hereditary nonpolyposis colorectal neoplasms. Last evaluated: 2026-02-03. Review status: criteria provided, single submitter. Criteria: Invitae Variant Classification Sherloc (09022015). Collection method: clinical testing. Allele origin: germline.

Quest Diagnostics Nichols Institute San Juan Capistrano
Classification: Uncertain significance. Last evaluated: 2025-10-24. Review status: criteria provided, single submitter. Criteria: Quest Diagnostics criteria. Collection method: clinical testing. Allele origin: unknown.
Comment: The MSH6 c.956C>T (p.Thr319Met) variant has been reported in the published literature in an individual with breast cancer (PMID: 35534704 (2022)). This variant has also been predicted to be benign using in silico methods (PMID: 23621914 (2013)). The frequency of this variant in the general population (Genome Aggregation Database) is uninformative in the assessment of its pathogenicity. Analysis of this variant using bioinformatics tools for the prediction of the effect of amino acid changes on protein structure and function yielded predictions that this variant is benign. Based on the available information, we are unable to determine the clinical significance of this variant.

Color Diagnostics, LLC DBA Color Health
Classification: Likely benign for Hereditary cancer-predisposing syndrome. Last evaluated: 2025-01-06. Review status: criteria provided, single submitter. Criteria: ACMG Guidelines, 2015. Collection method: clinical testing. Allele origin: germline.

Blueprint Genetics
Classification: Uncertain significance. Last evaluated: 2024-10-11. Review status: criteria provided, single submitter. Criteria: ACMG Guidelines, 2015. Collection method: clinical testing. Allele origin: germline.

All of Us Research Program, National Institutes of Health
Classification: Uncertain significance for Lynch syndrome. Last evaluated: 2024-09-23. Review status: criteria provided, single submitter. Criteria: ACMG Guidelines, 2015. Collection method: clinical testing. Allele origin: germline. Inheritance: Autosomal dominant inheritance. Observed: 6 variant alleles, 6 heterozygotes.
Comment: This missense variant replaces threonine with methionine at codon 319 of the MSH6 protein. Computational prediction suggests that this variant may not impact protein structure and function (internally defined REVEL score threshold <= 0.5, PMID: 27666373). To our knowledge, functional studies have not been reported for this variant. This variant has not been reported in individuals affected with MSH6-related disorders in the literature. This variant has been identified in 7/251312 chromosomes in the general population by the Genome Aggregation Database (gnomAD). The available evidence is insufficient to determine the role of this variant in disease conclusively. Therefore, this variant is classified as a Variant of Uncertain Significance.

This study involves interpretation of variants in research participants for the purpose of population health screening. Participant phenotype was not available at the time of variant classification. Additional details can be found in publication PMID: 35346344, PMCID: PMC8962531

Molecular Pathology, Peter Maccallum Cancer Centre
Classification: Uncertain significance for Lynch syndrome 5. Last evaluated: 2024-05-10. Review status: criteria provided, single submitter. Criteria: ACMG Guidelines, 2015. Collection method: clinical testing. Allele origin: germline. Inheritance: Autosomal dominant inheritance.

Myriad Genetics, Inc.
Classification: Benign for Lynch syndrome 5. Last evaluated: 2023-11-13. Review status: criteria provided, single submitter. Criteria: Myriad Autosomal Dominant, Autosomal Recessive and X-Linked Classification Criteria (2023). Collection method: clinical testing. Allele origin: unknown.
Comment: This variant is considered benign. Homozygosity for this variant has been confirmed in one or more individuals lacking clinical features consistent with gene-specific recessive disease, indicating that this variant is unlikely to be pathogenic. This variant is strongly associated with less severe personal and family histories of cancer, typical for individuals without pathogenic variants in this gene [PMID: 27363726].

Sema4
Classification: Uncertain significance for Hereditary cancer-predisposing syndrome. Last evaluated: 2021-08-19. Review status: criteria provided, single submitter. Criteria: Sema4 Curation Guidelines. Collection method: curation. Allele origin: germline.
Comment: To the best of our knowledge, the MSH6 c.956C>T (p.T319M) variant has not been reported in individuals with MSH6-related disease. It was observed in 2/34584 chromosomes of the Latino subpopulation in the large and broad cohorts of the Genome Aggregation Database (PMID: 32461654). The variant has been reported in ClinVar (Variation ID 188357). Functional studies have not been performed, and in silico predictions of the variant's effect on protein function are inconclusive. The evidence is insufficient to meet ACMG/AMP criteria for classifying the variant as benign or pathogenic. Thus, the clinical significance of this variant is currently uncertain.

Ambry Genetics
Classification: Likely benign for Hereditary cancer-predisposing syndrome. Last evaluated: 2018-10-31. Review status: criteria provided, single submitter. Criteria: Ambry Variant Classification Scheme 2023. Collection method: clinical testing. Allele origin: germline.

GeneDx
Classification: Uncertain significance. Last evaluated: 2017-12-04. Review status: criteria provided, single submitter. Criteria: GeneDx Variant Classification (06012015). Collection method: clinical testing. Allele origin: germline. Affected: yes.
Comment: This variant is denoted MSH6 c.956C>T at the cDNA level, p.Thr319Met (T319M) at the protein level, and results in the change of a Threonine to a Methionine (ACG>ATG). This variant has not, to our knowledge, been published in the literature as pathogenic or benign. MSH6 Thr319Met was not observed in large population cohorts (Lek 2016). Since Threonine and Methionine differ in polarity, charge, size or other properties, this is considered a non-conservative amino acid substitution. MSH6 Thr319Met is located within the nuclear localization signals (Gassman 2011). In-silico analyses, including protein predictors and evolutionary conservation, support that this variant does not alter protein structure or function. Based on currently available evidence, it is unclear whether MSH6 Thr319Met is a pathogenic or benign variant. We consider it to be a variant of uncertain significance.

Literature cited by the submitters: PubMed 23621914 (cited by Quest Diagnostics Nichols Institute San Juan Capistrano); PubMed 35534704 (cited by Quest Diagnostics Nichols Institute San Juan Capistrano); PubMed 27363726 (cited by Myriad Genetics, Inc.).

NM_000179.3(MSH6):c.956C>T (p.Thr319Met)

Gene: MSH6 (mutS homolog 6; plus strand). Cytogenetic location: 2p16.3.
Variant type: single nucleotide variant.
Coding change: c.956C>T on transcript NM_000179.3 (MANE Select); coding-DNA position 956, C replaced by T.
Protein change: p.Thr319Met; replaces threonine 319 with methionine.
Molecular consequence: missense variant.
Genome position (GRCh38, 1-based): chr2:47,798,939, C>T. VCF-style: chr2-47798939-C-T. GRCh37 (hg19) VCF-style: chr2-48026078-C-T.
Other names: c.566C>T, p.Thr189Met (NM_001281492.2); c.50C>T, p.Thr17Met (NM_001281493.2, NM_001281494.2); short protein forms T319M, T17M, T189M.
Identifiers: ClinVar variation 188357 (VCV000188357.31), dbSNP rs188252826, ClinGen allele CA016673.